The following is an entry in ClinVar:

ClinVar aggregate classification (germline): Uncertain significance (1 of 4 stars; one submission).

Conditions:
Inborn genetic diseases. Identifiers: MedGen C0950123, MeSH D030342.

gnomAD v4.1: 2 of 1,614,150 alleles (0.00012%); highest among the groups gnomAD compares: Admixed American, 0.0033%; no homozygotes.

Submission:

Ambry Genetics
Classification: Uncertain significance for Inborn genetic diseases. Last evaluated: 2021-12-20. Review status: criteria provided, single submitter. Criteria: Ambry Variant Classification Scheme 2023. Collection method: clinical testing. Allele origin: germline.
Comment: The p.E598D variant (also known as c.1794G>C), located in coding exon 12 of the EPAS1 gene, results from a G to C substitution at nucleotide position 1794. The glutamic acid at codon 598 is replaced by aspartic acid, an amino acid with highly similar properties. This amino acid position is conserved. In addition, this alteration is predicted to be tolerated by in silico analysis. Since supporting evidence is limited at this time, the clinical significance of this alteration remains unclear.

NM_001430.5(EPAS1):c.1794G>C (p.Glu598Asp)

Gene: EPAS1 (endothelial PAS domain protein 1; plus strand). Cytogenetic location: 2p21.
Variant type: single nucleotide variant.
Coding change: c.1794G>C on transcript NM_001430.5 (MANE Select); coding-DNA position 1794, G replaced by C.
Protein change: p.Glu598Asp; replaces glutamic acid 598 with aspartic acid.
Molecular consequence: missense variant.
Genome position (GRCh38, 1-based): chr2:46,380,466, G>C. VCF-style: chr2-46380466-G-C. GRCh37 (hg19) VCF-style: chr2-46607605-G-C.
Other names: short protein forms E598D.
Identifiers: ClinVar variation 1780242 (VCV001780242.2), dbSNP rs1306591436, ClinGen allele CA346704898.